The following is an entry in ClinVar:

NM_001003699.4(RREB1):c.4701G>C (p.Lys1567Asn)

Gene: RREB1 (ras responsive element binding protein 1; plus strand). Cytogenetic location: 6p24.3.
Variant type: single nucleotide variant.
Coding change: c.4701G>C on transcript NM_001003699.4 (MANE Select); coding-DNA position 4701, G replaced by C.
Protein change: p.Lys1567Asn; replaces lysine 1567 with asparagine.
Molecular consequence: missense variant. On other transcripts: intron variant (1).
Genome position (GRCh38, 1-based): chr6:7,247,151, G>C. VCF-style: chr6-7247151-G-C. GRCh37 (hg19) VCF-style: chr6-7247384-G-C.
Other names: c.4536G>C, p.Lys1512Asn (NM_001003698.4, NM_001168344.2); c.3974-1360G>C (NM_001003700.2); short protein forms K1512N, K1567N.
Identifiers: ClinVar variation 4055811 (VCV004055811.1).

ClinVar aggregate classification (germline): Uncertain significance (1 of 4 stars; one submission).

gnomAD v4.1: 1 of 1,613,922 alleles (0.000062%); highest among the groups gnomAD compares: South Asian, 0.0011%; no homozygotes.

Submission:

GeneDx
Classification: Uncertain significance. Last evaluated: 2023-10-27. Review status: criteria provided, single submitter. Criteria: GeneDx Variant Classification Process June 2021. Collection method: clinical testing. Allele origin: germline. Affected: yes.
Comment: Not observed at significant frequency in large population cohorts (gnomAD); In silico analysis supports that this missense variant has a deleterious effect on protein structure/function; Has not been previously published as pathogenic or benign to our knowledge; Variants in candidate genes are classified as variants of uncertain significance in accordance with ACMG guidelines (PMID: 25741868)